The following is an entry in ClinVar:

ClinVar aggregate classification (germline): Conflicting classifications of pathogenicity. Review status: criteria provided, conflicting classifications (1 of 4 stars). 3 submissions from 3 submitters: Uncertain significance (1); Likely benign (2). Last evaluated 2025-12-29.

Conditions:
Familial adenomatous polyposis 1 (FAP1). Also called: FAMILIAL ADENOMATOUS POLYPOSIS 1, ATTENUATED; POLYPOSIS, ADENOMATOUS INTESTINAL. Identifiers: MedGen C2713442, MONDO:0021056, OMIM 175100. Disease mechanism: loss of function.
Hereditary cancer-predisposing syndrome. Also called: Tumor predisposition; Hereditary Cancer Syndrome; Hereditary neoplastic syndrome; Neoplastic Syndromes, Hereditary. Identifiers: Orphanet 140162, MedGen C0027672, MeSH D009386, MONDO:0015356.

Submissions (3):

Ambry Genetics
Classification: Uncertain significance for Hereditary cancer-predisposing syndrome. Last evaluated: 2025-12-29. Review status: criteria provided, single submitter. Criteria: Ambry Variant Classification Scheme 2023. Collection method: clinical testing. Allele origin: germline.
Comment: The c.532-3T>C intronic variant results from a T to C substitution 3 nucleotides upstream from coding exon 5 in the APC gene. This nucleotide position is not well conserved in available vertebrate species. In silico splice site analysis predicts that this alteration will not have any significant effect on splicing. Based on the available evidence, the clinical significance of this variant remains unclear.

Color Diagnostics, LLC DBA Color Health
Classification: Likely benign for Hereditary cancer-predisposing syndrome. Last evaluated: 2025-06-09. Review status: criteria provided, single submitter. Criteria: ACMG Guidelines, 2015. Collection method: clinical testing. Allele origin: germline.

Myriad Genetics, Inc.
Classification: Likely benign for Familial adenomatous polyposis 1. Last evaluated: 2024-02-23. Review status: criteria provided, single submitter. Criteria: Myriad Autosomal Dominant, Autosomal Recessive and X-Linked Classification Criteria (2023). Collection method: clinical testing. Allele origin: unknown.
Comment: This variant is considered likely benign. This variant is intronic and is not expected to impact mRNA splicing.

NM_000038.6(APC):c.532-3T>C

Gene: APC (APC regulator of Wnt signaling pathway; plus strand). Cytogenetic location: 5q22.2.
Variant type: single nucleotide variant.
Coding change: c.532-3T>C on transcript NM_000038.6 (MANE Select); 3 bases into the intron before coding-DNA position 532, T replaced by C.
Molecular consequence: intron variant.
Genome position (GRCh38, 1-based): chr5:112,780,787, T>C. VCF-style: chr5-112780787-T-C. GRCh37 (hg19) VCF-style: chr5-112116484-T-C.
Other names: c.532-3T>C (NM_000038.5, NM_001407447.1, NM_001354895.2 and 17 more transcripts); c.-504-3T>C (NM_001407470.1, NM_001407472.1, NM_001354906.2 and 1 more transcripts); c.562-3T>C (NM_001407446.1, NM_001354897.2, NM_001354902.2 and 1 more transcripts); c.355-3T>C (NM_001407453.1, NM_001354900.2, NM_001354901.2 and 1 more transcripts); c.457-3T>C (NM_001407451.1, NM_001354898.2, NM_001354904.2).
Identifiers: ClinVar variation 3148007 (VCV003148007.3), dbSNP rs2149638939, ClinGen allele CA2825001336.